The following is an entry in ClinVar:

ClinVar aggregate classification (germline): Uncertain significance (1 of 4 stars; one submission).

gnomAD v4.1: 1 of 1,595,758 alleles (0.000063%); no homozygotes.

Submission:

Labcorp Genetics (formerly Invitae), Labcorp
Classification: Uncertain significance. Last evaluated: 2025-07-02. Review status: criteria provided, single submitter. Criteria: Invitae Variant Classification Sherloc (09022015). Collection method: clinical testing. Allele origin: germline.
Comment: This sequence change replaces alanine, which is neutral and non-polar, with threonine, which is neutral and polar, at codon 455 of the RORB protein (p.Ala455Thr). This variant is not present in population databases (gnomAD no frequency). This variant has not been reported in the literature in individuals affected with RORB-related conditions. An algorithm developed to predict the effect of missense changes on protein structure and function outputs the following: PolyPhen-2: "Benign". The threonine amino acid residue is found in multiple mammalian species, which suggests that this missense change does not adversely affect protein function. In summary, the available evidence is currently insufficient to determine the role of this variant in disease. Therefore, it has been classified as a Variant of Uncertain Significance.

NM_006914.4(RORB):c.1363G>A (p.Ala455Thr)

Genes: RORB (RAR related orphan receptor B; plus strand), LOC124310566 (Sharpr-MPRA regulatory region 9792; plus strand). Cytogenetic location: 9q21.13.
Variant type: single nucleotide variant.
Coding change: c.1363G>A on transcript NM_006914.4 (MANE Select); coding-DNA position 1363, G replaced by A.
Protein change: p.Ala455Thr; replaces alanine 455 with threonine.
Molecular consequence: missense variant.
Genome position (GRCh38, 1-based): chr9:74,685,601, G>A. VCF-style: chr9-74685601-G-A. GRCh37 (hg19) VCF-style: chr9-77300517-G-A.
Other names: c.1396G>A, p.Ala466Thr (NM_001365023.1); short protein forms A455T, A466T.
Identifiers: ClinVar variation 4770970 (VCV004770970.1).